The following is an entry in ClinVar:

ClinVar aggregate classification (germline): Uncertain significance (1 of 4 stars; one submission).

Conditions:
Primary ciliary dyskinesia. Also called: Ciliary dyskinesia. Identifiers: Orphanet 244, MedGen C0008780, MONDO:0016575, HP:0012265.

Allele frequency attached by ClinVar (database versions not stated): ExAC 0.00002; gnomAD 0.00003; TOPMed 0.00003.
gnomAD v4.1: 18 of 1,609,332 alleles (0.0011%); highest among the groups gnomAD compares: Admixed American, 0.0083%; no homozygotes.

Submission:

Ambry Genetics
Classification: Uncertain significance for Primary ciliary dyskinesia. Last evaluated: 2023-01-12. Review status: criteria provided, single submitter. Criteria: Ambry Variant Classification Scheme 2023. Collection method: clinical testing. Allele origin: germline.
Comment: The p.P470L variant (also known as c.1409C>T), located in coding exon 6 of the DNAAF5 gene, results from a C to T substitution at nucleotide position 1409. The proline at codon 470 is replaced by leucine, an amino acid with similar properties. This amino acid position is conserved. In addition, this alteration is predicted to be tolerated by in silico analysis. Since supporting evidence is limited at this time, the clinical significance of this alteration remains unclear.

NM_017802.4(DNAAF5):c.1409C>T (p.Pro470Leu)

Gene: DNAAF5 (dynein axonemal assembly factor 5; plus strand). Cytogenetic location: 7p22.3.
Variant type: single nucleotide variant.
Coding change: c.1409C>T on transcript NM_017802.4 (MANE Select); coding-DNA position 1409, C replaced by T.
Protein change: p.Pro470Leu; replaces proline 470 with leucine.
Molecular consequence: missense variant. On other transcripts: non-coding transcript variant (1).
Genome position (GRCh38, 1-based): chr7:756,933, C>T. VCF-style: chr7-756933-C-T. GRCh37 (hg19) VCF-style: chr7-796570-C-T.
Other names: short protein forms P470L.
Identifiers: ClinVar variation 2448395 (VCV002448395.2), dbSNP rs756296083, ClinGen allele CA4110718.
Genomic context (GRCh38, chr7:756,933, plus strand): 5'-CCTCCGGCCTCCTGGTGCTGGCCTCCGCCATGCGGGGTTGCCCCCGAGAAGCCCTCCAGC[C>T]GCACCTGGCAGCCATCGCCACAGAGCTGGCACAGGCCCACATCTGCCAGGCATCTGAAAA-3'
Protein context (NP_060272.3, residues 460-480): MRGCPREALQ[Pro470Leu]HLAAIATELA